The following is an entry in ClinVar:

NM_175914.5(HNF4A):c.270C>G (p.Cys90Trp)

Gene: HNF4A (hepatocyte nuclear factor 4 alpha; plus strand). Cytogenetic location: 20q13.12.
Variant type: single nucleotide variant.
Coding change: c.270C>G on transcript NM_175914.5 (MANE Select); coding-DNA position 270, C replaced by G.
Protein change: p.Cys90Trp; replaces cysteine 90 with tryptophan.
Molecular consequence: missense variant.
Genome position (GRCh38, 1-based): chr20:44,407,426, C>G. VCF-style: chr20-44407426-C-G. GRCh37 (hg19) VCF-style: chr20-43036066-C-G.
Other names: NM_175914.5:c.270C>G; c.336C>G, p.Cys112Trp (NM_000457.6, NM_178849.3, NM_178850.3); c.270C>G, p.Cys90Trp (NM_001030003.3, NM_001030004.3); c.315C>G, p.Cys105Trp (NM_001258355.2); c.261C>G, p.Cys87Trp (NM_001287182.2, NM_001287183.2, NM_001287184.2); short protein forms C105W, C112W, C87W, C90W.
Identifiers: ClinVar variation 3340454 (VCV003340454.2).

ClinVar aggregate classification (germline): Likely pathogenic. Review status: reviewed by expert panel (3 of 4 stars). 2 submissions from 2 submitters: Likely pathogenic (1). 1 of the submissions does not count toward it. Last evaluated 2024-11-26.

Conditions:
Monogenic diabetes. Identifiers: Orphanet 183625, MedGen C3888631, MONDO:0015967.
Maturity-onset diabetes of the young type 1. Also called: HNF4A-Related Maturity-Onset Diabetes of the Young Type 1; MODY, type I; MILD JUVENILE DIABETES MELLITUS; MODY type 1; Diabetes mellitus MODY type 1; MODY HNF4A related. Identifiers: Orphanet 552, MedGen C1852093, MONDO:0007452, OMIM 125850. Disease mechanism: loss of function.

Submissions (2):

ClinGen Monogenic Diabetes Variant Curation Expert Panel
Classification: Likely pathogenic for Monogenic diabetes. Last evaluated: 2024-11-26. Review status: reviewed by expert panel. Criteria: ClinGen Diabetes ACMG Specifications HNF4A V2.0.0. Collection method: curation. Allele origin: germline. Inheritance: Autosomal dominant inheritance.
Comment: The c.270C>G variant in the hepatocyte nuclear factor 4-alpha gene, HNF4A, causes an amino acid change of cysteine to tryptophan at codon 90 (p.(Cys90Trp)) of NM_175914.5. This variant is absent from gnomAD v2.1.1 (PM2_Supporting). This variant resides in an amino acid that is necessary for Zinc-finger formation, which is defined as critical for the protein’s function by the ClinGen MDEP (PM1). Additionally, this variant is predicted to be deleterious by computational evidence, with a REVEL score of 0.936, which is greater than the MDEP VCEP threshold of 0.70 (PP3). This variant was identified in two unrelated individuals with non-autoimmune and non-absolute/near-absolute insulin-deficient diabetes; however, PS4_Moderate cannot be applied because this number is below the ClinGen MDEP threshold (ClinVar, internal lab contributors). One of these individuals had a clinical picture consistent with HNF4A-monogenic diabetes (MODY probability calculator result >50%, negative genetic testing for HNF1A, and negative diabetes antibodies), and this variant was detected as a de novo occurrence with unconfirmed parental relationships (PS2_Moderate, PP4_Moderate; internal lab contributors). In summary, c.270C>G meets the criteria to be classified as likely pathogenic for monogenic diabetes. ACMG/AMP criteria applied, as specified by the ClinGen MDEP (specification version 2.0.0, approved 10/11/2023): PP3, PP4_Moderate, PM2_Supporting, PM1, PS2_Moderate.

Seattle Children's Hospital Molecular Genetics Laboratory, Seattle Children's Hospital
Classification: Likely pathogenic for Maturity-onset diabetes of the young type 1. Review status: criteria provided, single submitter. Criteria: ACMG Guidelines, 2015. Collection method: clinical testing. Allele origin: germline. Affected: yes. Not counted in ClinVar's aggregate classification.
Comment: The p.Cys90Trp variant results in substitution of the cysteine at amino acid position 90 with a tryptophan. The p.Cys90 position is located in one of two zinc-finger domains making up the DNA binding domain in the HNF4A protein. The cysteine at amino acid position 90 is highly conserved. In silico tools predict the p.Cys90Trp variant to be damaging. Nearby variants in the same domain, including the p.Cys93Tyr variant (ClinVar Variation ID: 2502290), have been observed among individuals with HNF4A-related diabetes. To our knowledge, the p.Cys90Trp variant is absent from patient databases and the medical literature, as well as large population studies (gnomAD v4.0.0).